The following is an entry in ClinVar:

ClinVar aggregate classification (germline): Uncertain significance (1 of 4 stars; one submission).

Allele frequency attached by ClinVar (database versions not stated): gnomAD exomes below 0.00001.
gnomAD v4.1: 3 of 1,587,722 alleles (0.00019%); highest among the groups gnomAD compares: South Asian, 0.0012%; no homozygotes.

Submission:

GeneDx
Classification: Uncertain significance. Last evaluated: 2017-05-22. Review status: criteria provided, single submitter. Criteria: GeneDx Variant Classification (06012015). Collection method: clinical testing. Allele origin: germline. Affected: yes.
Comment: A variant of uncertain significance has been identified in the KCNJ10 gene. The R180H variant has not been published as a pathogenic variant, nor has it been reported as a benign variant to our knowledge. The R180H variant is not observed in large population cohorts (Lek et al., 2016; 1000 Genomes Consortium et al., 2015; Exome Variant Server). This substitution occurs at a position that is conserved across species. However, the R180H variant is a conservative amino acid substitution, which is not likely to impact secondary protein structure as these residues share similar properties. In silico analysis is inconsistent in its predictions as to whether or not the variant is damaging to the protein structure/function. Therefore, based on the currently available information, it is unclear whether this variant is a pathogenic variant or a rare benign variant.

NM_002241.5(KCNJ10):c.539G>A (p.Arg180His)

Gene: KCNJ10 (potassium inwardly rectifying channel subfamily J member 10; minus strand). Cytogenetic location: 1q23.2.
Variant type: single nucleotide variant.
Coding change: c.539G>A on transcript NM_002241.5 (MANE Select); coding-DNA position 539, G replaced by A.
Protein change: p.Arg180His; replaces arginine 180 with histidine.
Molecular consequence: missense variant.
Genome position (GRCh38, 1-based): chr1:160,041,994, C>T on the plus strand (G>A on the coding strand, the complement: KCNJ10 is on the minus strand). VCF-style: chr1-160041994-C-T. GRCh37 (hg19) VCF-style: chr1-160011784-C-T.
Other names: short protein forms R180H.
Identifiers: ClinVar variation 430278 (VCV000430278.2), dbSNP rs1131691880, ClinGen allele CA343226542.
Genomic context (GRCh38, chr1:160,041,994, plus strand): 5'-ACTCGGATCATGAGGCAGGGCTTGCCATTGTGGGAGGCCACAACTGCATGCTGGCTGAAA[C>T]GAATGGTCTCAGCCCGCTTCTTGGGCCGGGCAATCTTCGCCAGGAAGGTACCTGTGATGA-3'
Protein context (NP_002232.2, residues 170-190): ARPKKRAETI[Arg180His]FSQHAVVASH